The following is an entry in ClinVar:

NM_016205.3(PDGFC):c.186G>A (p.Arg62=)

Gene: PDGFC (platelet derived growth factor C; minus strand). Cytogenetic location: 4q32.1.
Variant type: single nucleotide variant.
Coding change: c.186G>A on transcript NM_016205.3 (MANE Select); coding-DNA position 186, G replaced by A.
Protein change: p.Arg62=; no amino-acid change (arginine 62 retained).
Molecular consequence: synonymous variant. On other transcripts: non-coding transcript variant (1).
Genome position (GRCh38, 1-based): chr4:156,850,349, C>T on the plus strand (G>A on the coding strand, the complement: PDGFC is on the minus strand). VCF-style: chr4-156850349-C-T. GRCh37 (hg19) VCF-style: chr4-157771501-C-T.
Identifiers: ClinVar variation 5000737 (VCV005000737.1).

ClinVar aggregate classification (germline): Likely benign (1 of 4 stars; one submission).

Conditions:
PDGFC-related disorder. Also called: PDGFC-related condition.

gnomAD v4.1: 10 of 1,609,528 alleles (0.00062%); highest among the groups gnomAD compares: Non-Finnish European, 0.00085%; no homozygotes.

Submission:

PreventionGenetics, part of Exact Sciences
Classification: Likely benign for PDGFC-related condition. Last evaluated: 2025-07-08. Review status: criteria provided, single submitter. Criteria: ACMG Guidelines, 2015. Collection method: clinical testing. Allele origin: germline.
Comment: This variant is classified as likely benign based on ACMG/AMP sequence variant interpretation guidelines (Richards et al. 2015 PMID: 25741868, with internal and published modifications).